The following is an entry in ClinVar:

NM_017636.4(TRPM4):c.332G>A (p.Gly111Asp)

Gene: TRPM4 (transient receptor potential cation channel subfamily M member 4; plus strand). Cytogenetic location: 19q13.33.
Variant type: single nucleotide variant.
Coding change: c.332G>A on transcript NM_017636.4 (MANE Select); coding-DNA position 332, G replaced by A.
Protein change: p.Gly111Asp; replaces glycine 111 with aspartic acid.
Molecular consequence: missense variant. On other transcripts: intron variant (4).
Genome position (GRCh38, 1-based): chr19:49,167,981, G>A. VCF-style: chr19-49167981-G-A. GRCh37 (hg19) VCF-style: chr19-49671238-G-A.
Other names: c.332G>A, p.Gly111Asp (NM_001195227.2); c.-1105-279G>A (NM_001321282.2); c.268-572G>A (NM_001321281.2); c.-74-279G>A (NM_001321283.2); c.-237-572G>A (NM_001321285.2); short protein forms G111D.
Identifiers: ClinVar variation 2563511 (VCV002563511.2), dbSNP rs1280973832, ClinGen allele CA406790145.

ClinVar aggregate classification (germline): Uncertain significance (1 of 4 stars; one submission).

Conditions:
Cardiovascular phenotype. Identifiers: MedGen CN230736.

Allele frequency attached by ClinVar (database versions not stated): gnomAD exomes below 0.00001; TOPMed below 0.00001; gnomAD 0.00001.
gnomAD v4.1: 2 of 1,613,920 alleles (0.00012%); highest among the groups gnomAD compares: African/African-American, 0.0027%; no homozygotes.

Submission:

Ambry Genetics
Classification: Uncertain significance for Cardiovascular phenotype. Last evaluated: 2023-05-11. Review status: criteria provided, single submitter. Criteria: Ambry Variant Classification Scheme 2023. Collection method: clinical testing. Allele origin: germline.
Comment: The p.G111D variant (also known as c.332G>A), located in coding exon 4 of the TRPM4 gene, results from a G to A substitution at nucleotide position 332. The glycine at codon 111 is replaced by aspartic acid, an amino acid with similar properties. This amino acid position is conserved. In addition, this alteration is predicted to be tolerated by in silico analysis. Since supporting evidence is limited at this time, the clinical significance of this alteration remains unclear.